The following is an entry in ClinVar:

NM_000018.4(ACADVL):c.1784C>T (p.Thr595Met)

Gene: ACADVL (acyl-CoA dehydrogenase very long chain; plus strand). Cytogenetic location: 17p13.1.
Variant type: single nucleotide variant.
Coding change: c.1784C>T on transcript NM_000018.4 (MANE Select); coding-DNA position 1784, C replaced by T.
Protein change: p.Thr595Met; replaces threonine 595 with methionine.
Molecular consequence: missense variant.
Genome position (GRCh38, 1-based): chr17:7,224,841, C>T. VCF-style: chr17-7224841-C-T. GRCh37 (hg19) VCF-style: chr17-7128160-C-T.
Other names: c.1718C>T, p.Thr573Met (NM_001033859.3); c.1853C>T, p.Thr618Met (NM_001270447.2); c.1556C>T, p.Thr519Met (NM_001270448.2); short protein forms T519M, T618M, T573M, T595M.
Identifiers: ClinVar variation 2155526 (VCV002155526.2), dbSNP rs770964020, ClinGen allele CA8338270.

ClinVar aggregate classification (germline): Uncertain significance. Review status: criteria provided, multiple submitters, no conflicts (2 of 4 stars). 2 submissions from 2 submitters: Uncertain significance (2). Last evaluated 2022-02-24.

Conditions:
Very long chain acyl-CoA dehydrogenase deficiency (ACADVLD). Also called: VLCAD Deficiency; Very Long-Chain Acyl-Coenzyme A Dehydrogenase Deficiency. Identifiers: Orphanet 26793, MedGen C3887523, MONDO:0008723, OMIM 201475.

Allele frequency attached by ClinVar (database versions not stated): TOPMed 0.00001; gnomAD 0.00002; gnomAD exomes 0.00002; ExAC 0.00006.
gnomAD v4.1: 41 of 1,613,964 alleles (0.0025%); highest among the groups gnomAD compares: Non-Finnish European, 0.0026%; no homozygotes.

Submissions (2):

Labcorp Genetics (formerly Invitae), Labcorp
Classification: Uncertain significance for Very long chain acyl-CoA dehydrogenase deficiency. Last evaluated: 2022-02-24. Review status: criteria provided, single submitter. Criteria: Invitae Variant Classification Sherloc (09022015). Collection method: clinical testing. Allele origin: germline.
Comment: This sequence change replaces threonine, which is neutral and polar, with methionine, which is neutral and non-polar, at codon 595 of the ACADVL protein (p.Thr595Met). This variant is present in population databases (rs770964020, gnomAD 0.005%). This variant has not been reported in the literature in individuals affected with ACADVL-related conditions. Algorithms developed to predict the effect of missense changes on protein structure and function are either unavailable or do not agree on the potential impact of this missense change (SIFT: "Deleterious"; PolyPhen-2: "Possibly Damaging"; Align-GVGD: "Class C0"). In summary, the available evidence is currently insufficient to determine the role of this variant in disease. Therefore, it has been classified as a Variant of Uncertain Significance.

Blueprint Genetics
Classification: Uncertain significance. Last evaluated: 2021-04-15. Review status: criteria provided, single submitter. Criteria: ACMG Guidelines, 2015. Collection method: clinical testing. Allele origin: germline.